The following is an entry in ClinVar:

NM_001042492.3(NF1):c.79C>T (p.Gln27Ter)

Gene: NF1 (neurofibromin 1; plus strand). Cytogenetic location: 17q11.2.
Variant type: single nucleotide variant.
Coding change: c.79C>T on transcript NM_001042492.3 (MANE Select); coding-DNA position 79, C replaced by T.
Protein change: p.Gln27Ter; replaces glutamine 27 with a stop codon.
Molecular consequence: nonsense.
Genome position (GRCh38, 1-based): chr17:31,156,001, C>T. VCF-style: chr17-31156001-C-T. GRCh37 (hg19) VCF-style: chr17-29483019-C-T.
Other names: c.79C>T, p.Gln27Ter (NM_000267.4, NM_001128147.3); short protein forms Q27*.
Identifiers: ClinVar variation 404581 (VCV000404581.52), dbSNP rs1060500363, ClinGen allele CA16615539.

ClinVar aggregate classification (germline): Pathogenic/Likely pathogenic. Review status: criteria provided, multiple submitters, no conflicts (2 of 4 stars). 7 submissions from 7 submitters: Pathogenic (5); Likely pathogenic (1). 1 of the submissions does not count toward it. Last evaluated 2025-09-25.

Conditions:
Juvenile myelomonocytic leukemia (JMML). Also called: LEUKEMIA, JUVENILE MYELOMONOCYTIC, SOMATIC. Identifiers: Orphanet 86834, MedGen C0349639, MONDO:0011908, OMIM 607785, HP:0012209.
Hereditary cancer-predisposing syndrome. Also called: Neoplastic Syndromes, Hereditary; Hereditary neoplastic syndrome; Tumor predisposition; Hereditary Cancer Syndrome. Identifiers: Orphanet 140162, MedGen C0027672, MeSH D009386, MONDO:0015356.
Cardiovascular phenotype. Identifiers: MedGen CN230736.
Neurofibromatosis, type 1 (NF1). Also called: NEUROFIBROMATOSIS, TYPE I, SOMATIC; Peripheral type neurofibromatosis; Neurofibromatosis, type I; VON RECKLINGHAUSEN DISEASE. Identifiers: Orphanet 636, MedGen C0027831, MONDO:0018975, OMIM 162200. Disease mechanism: loss of function.

Submissions (7):

NHS Central & South Genomic Laboratory Hub
Classification: Pathogenic for Neurofibromatosis type 1. Last evaluated: 2025-09-25. Review status: criteria provided, single submitter. Criteria: ACMG Guidelines, 2015. Collection method: clinical testing. Allele origin: germline. Affected: yes.

Labcorp Genetics (formerly Invitae), Labcorp
Classification: Pathogenic for Neurofibromatosis, type 1. Last evaluated: 2025-09-05. Review status: criteria provided, single submitter. Criteria: Invitae Variant Classification Sherloc (09022015). Collection method: clinical testing. Allele origin: germline.
Comment: This sequence change creates a premature translational stop signal (p.Gln27*) in the NF1 gene. It is expected to result in an absent or disrupted protein product. Loss-of-function variants in NF1 are known to be pathogenic (PMID: 10712197, 23913538). This variant is not present in population databases (gnomAD no frequency). This premature translational stop signal has been observed in individual(s) with clinical features of neurofibromatosis type 1 (PMID: 29685074). Invitae Evidence Modeling of clinical and family history, age, sex, and reported ancestry of multiple individuals with this NF1 variant has been performed. This variant is expected to be pathogenic with a positive predictive value of at least 99%. This is a validated machine learning model that incorporates the clinical features of 1,785,918 individuals referred to our laboratory for NF1 testing. ClinVar contains an entry for this variant (Variation ID: 404581). For these reasons, this variant has been classified as Pathogenic.

Baylor Genetics
Classification: Pathogenic for Juvenile myelomonocytic leukemia. Last evaluated: 2022-05-04. Review status: criteria provided, single submitter. Criteria: ACMG Guidelines, 2015. Collection method: clinical testing. Allele origin: unknown.

Genome-Nilou Lab
Classification: Pathogenic for Neurofibromatosis, type 1. Last evaluated: 2022-03-15. Review status: criteria provided, single submitter. Criteria: ACMG Guidelines, 2015. Collection method: clinical testing. Allele origin: germline. Affected: no.

Ambry Genetics
Classification: Pathogenic for Cardiovascular phenotype; Hereditary cancer-predisposing syndrome. Last evaluated: 2021-09-30. Review status: criteria provided, single submitter. Criteria: Ambry Variant Classification Scheme 2023. Collection method: clinical testing. Allele origin: germline.
Comment: The p.Q27* pathogenic mutation (also known as c.79C>T), located in coding exon 2 of the NF1 gene, results from a C to T substitution at nucleotide position 79. This changes the amino acid from a glutamine to a stop codon within coding exon 2. This variant has been observed in individuals with clinical features of neurofibromatosis type 1(Rosset C et al. Expert Rev Mol Diagn, 2018 06;18:577-586) (Demir G&uuml;ndoan B et al. Turk J Med Sci, 2021 Aug). This variant is considered to be rare based on population cohorts in the Genome Aggregation Database (gnomAD). This alteration is expected to result in loss of function by premature protein truncation or nonsense-mediated mRNA decay. As such, this alteration is interpreted as a disease-causing mutation.

CeGaT Center for Human Genetics Tuebingen
Classification: Likely pathogenic. Last evaluated: 2017-09-01. Review status: criteria provided, single submitter. Criteria: CeGaT Center For Human Genetics Tuebingen Variant Classification Criteria Version 2. Collection method: clinical testing. Allele origin: germline. Affected: yes. Observed: 1 variant allele.

Medical Genetics, University of Parma
Classification: Pathogenic for Neurofibromatosis type 1. Last evaluated: 2017-02-02. Review status: no assertion criteria provided. Collection method: clinical testing. Allele origin: germline. Affected: yes. Not counted in ClinVar's aggregate classification.

Literature cited by the submitters: PubMed 10712197 (cited by Labcorp Genetics (formerly Invitae), Labcorp); PubMed 23913538 (cited by Labcorp Genetics (formerly Invitae), Labcorp); PubMed 29685074 (cited by Labcorp Genetics (formerly Invitae), Labcorp).